The following is an entry in ClinVar:

NC_000016.9:g.(?_2106625)_(2126191_?)dup

Gene: TSC2 (TSC complex subunit 2; plus strand). Cytogenetic location: 16p13.3.
Variant type: Duplication.
Identifiers: ClinVar variation 2423302 (VCV002423302.4).

ClinVar aggregate classification (germline): Uncertain significance (1 of 4 stars; one submission).

Conditions:
Tuberous sclerosis 2 (TSC2). Identifiers: Orphanet 805, MedGen C1860707, MONDO:0013199, OMIM 613254.

Submission:

Labcorp Genetics (formerly Invitae), Labcorp
Classification: Uncertain significance for Tuberous sclerosis 2. Last evaluated: 2022-08-09. Review status: criteria provided, single submitter. Criteria: Invitae Variant Classification Sherloc (09022015). Collection method: clinical testing. Allele origin: germline.
Comment: In summary, the available evidence is currently insufficient to determine the role of this variant in disease. Therefore, it has been classified as a Variant of Uncertain Significance. Experimental studies and prediction algorithms are not available or were not evaluated, and the functional significance of this variant is currently unknown. A similar copy number variant has been observed in individual(s) with clinical features of tuberous sclerosis complex (Invitae). This variant results in a copy number gain of the genomic region encompassing exon(s) 8-24 of the TSC2 gene. While the exact position of this variant cannot be determined from the data, sub-genic copy number gains are generally in tandem (PMID: 25640679). This variant is predicted to be in-frame, and likely preserves the integrity of the reading frame.

Literature cited by the submitters: PubMed 25640679.